The following is an entry in ClinVar:

NM_000338.3(SLC12A1):c.497A>G (p.Asn166Ser)

Gene: SLC12A1 (solute carrier family 12 member 1; plus strand). Cytogenetic location: 15q21.1.
Variant type: single nucleotide variant.
Coding change: c.497A>G on transcript NM_000338.3 (MANE Select); coding-DNA position 497, A replaced by G.
Protein change: p.Asn166Ser; replaces asparagine 166 with serine.
Molecular consequence: missense variant.
Genome position (GRCh38, 1-based): chr15:48,220,710, A>G. VCF-style: chr15-48220710-A-G. GRCh37 (hg19) VCF-style: chr15-48512907-A-G.
Other names: NC_000015.9:g.48512907A>G; c.497A>G, p.Asn166Ser (NM_001184832.2); short protein forms N166S.
Identifiers: ClinVar variation 316256 (VCV000316256.14), dbSNP rs142360465, ClinGen allele CA7546774.

ClinVar aggregate classification (germline): Conflicting classifications of pathogenicity. Review status: criteria provided, conflicting classifications (1 of 4 stars). 3 submissions from 3 submitters: Uncertain significance (1); Likely benign (2). Last evaluated 2025-10-01.

Conditions:
Bartter disease type 1. Also called: Bartter syndrome, type 1, antenatal; HYPERPROSTAGLANDIN E SYNDROME 1; Bartter Syndrome type 1; HYPOKALEMIC ALKALOSIS WITH HYPERCALCIURIA 1, ANTENATAL. Identifiers: Orphanet 112, Orphanet 620217, MedGen C1866495, MONDO:0100344, OMIM 601678, MONDO:0011127.

Allele frequency attached by ClinVar (database versions not stated): gnomAD exomes 0.00009 and 0.00024; ExAC 0.00011; gnomAD 0.00021; TOPMed 0.00021; ESP Exome Variant Server 0.00031.
gnomAD v4.1: 387 of 1,613,786 alleles (0.024%); highest among the groups gnomAD compares: Non-Finnish European, 0.031%; 2 homozygotes.

Submissions (4):

CeGaT Center for Human Genetics Tuebingen
Classification: Likely benign. Last evaluated: 2025-10-01. Review status: criteria provided, single submitter. Criteria: CeGaT Center For Human Genetics Tuebingen Variant Classification Criteria Version 2. Collection method: clinical testing. Allele origin: germline. Affected: yes. Observed: 1 variant allele.
Comment: SLC12A1: PM2, BP4, BS2

Fulgent Genetics
Classification: Likely benign for Bartter disease type 1. Last evaluated: 2024-02-26. Review status: criteria provided, single submitter. Criteria: ACMG Guidelines, 2015. Collection method: clinical testing. Allele origin: germline.

Illumina Laboratory Services, Illumina
Classification: Uncertain significance for Bartter disease type 1. Last evaluated: 2018-01-13. Review status: criteria provided, single submitter. Criteria: ICSL Variant Classification Criteria 13 December 2019. Collection method: clinical testing. Allele origin: germline.

Dr. Peter K. Rogan Lab, Western University
No classification provided (evidence only). Condition: Clear cell carcinoma of kidney. Review status: no classification provided. Collection method: in vitro. Allele origin: not applicable. Functional consequence: retained intron. Not counted in ClinVar's aggregate classification.